The following is an entry in ClinVar:

ClinVar aggregate classification (germline): Uncertain significance (1 of 4 stars; one submission).

Conditions:
Alstrom syndrome (ALMS). Identifiers: Orphanet 64, MedGen C0268425, MONDO:0008763, OMIM 203800.

Allele frequency attached by ClinVar (database versions not stated): gnomAD exomes below 0.00001; gnomAD 0.00001.
gnomAD v4.1: 3 of 1,614,078 alleles (0.00019%); highest among the groups gnomAD compares: East Asian, 0.0022%; no homozygotes.

Submission:

Labcorp Genetics (formerly Invitae), Labcorp
Classification: Uncertain significance for Alstrom syndrome. Last evaluated: 2022-07-28. Review status: criteria provided, single submitter. Criteria: Invitae Variant Classification Sherloc (09022015). Collection method: clinical testing. Allele origin: germline.
Comment: This sequence change replaces leucine, which is neutral and non-polar, with phenylalanine, which is neutral and non-polar, at codon 3133 of the ALMS1 protein (p.Leu3133Phe). This variant is not present in population databases (gnomAD no frequency). This variant has not been reported in the literature in individuals affected with ALMS1-related conditions. Experimental studies and prediction algorithms are not available or were not evaluated, and the functional significance of this variant is currently unknown. In summary, the available evidence is currently insufficient to determine the role of this variant in disease. Therefore, it has been classified as a Variant of Uncertain Significance.

NM_001378454.1(ALMS1):c.9394C>T (p.Leu3132Phe)

Gene: ALMS1 (ALMS1 centrosome and basal body associated protein; plus strand). Cytogenetic location: 2p13.1.
Variant type: single nucleotide variant.
Coding change: c.9394C>T on transcript NM_001378454.1 (MANE Select); coding-DNA position 9394, C replaced by T.
Protein change: p.Leu3132Phe; replaces leucine 3132 with phenylalanine.
Molecular consequence: missense variant.
Genome position (GRCh38, 1-based): chr2:73,491,353, C>T. VCF-style: chr2-73491353-C-T. GRCh37 (hg19) VCF-style: chr2-73718480-C-T.
Other names: c.9397C>T, p.Leu3133Phe (NM_015120.4); short protein forms L3132F, L3133F.
Identifiers: ClinVar variation 1969670 (VCV001969670.2), dbSNP rs1672981911, ClinGen allele CA347274666.